The following is an entry in ClinVar:

NM_018557.3(LRP1B):c.9401A>G (p.Asp3134Gly)

Gene: LRP1B (LDL receptor related protein 1B; minus strand). Cytogenetic location: 2q22.1.
Variant type: single nucleotide variant.
Coding change: c.9401A>G on transcript NM_018557.3 (MANE Select); coding-DNA position 9401, A replaced by G.
Protein change: p.Asp3134Gly; replaces aspartic acid 3134 with glycine.
Molecular consequence: missense variant.
Genome position (GRCh38, 1-based): chr2:140,485,367, T>C on the plus strand (A>G on the coding strand, the complement: LRP1B is on the minus strand). VCF-style: chr2-140485367-T-C. GRCh37 (hg19) VCF-style: chr2-141242936-T-C.
Other names: short protein forms D3134G.
Identifiers: ClinVar variation 3037502 (VCV003037502.2), dbSNP rs115870540, ClinGen allele CA1893662.
Genomic context (GRCh38, chr2:140,485,367, plus strand): 5'-TCTTAAACTTTAAGATTTTTAACAGTTTTTACAAACCCAGCTTGAGGATCTAAAGACAAG[T>C]CTCTGGGAAACTTCAGCCTTTTGCTAACGAGTATAGTAGGGTACAAGCCATTGAGTTTGG-3'
Protein context (NP_061027.2, residues 3124-3144): LVSKRLKFPR[Asp3134Gly]LSLDPQAGYL

ClinVar aggregate classification (germline): Likely benign (0 of 4 stars; one submission).

Conditions:
LRP1B-related disorder. Also called: LRP1B-related condition.

Allele frequency attached by ClinVar (database versions not stated): gnomAD exomes 0.00019; ExAC 0.00053; 1000 Genomes Project 0.00120; 1000 Genomes Project 30x 0.00125; gnomAD 0.00153; TOPMed 0.00214; ESP Exome Variant Server 0.00223.
gnomAD v4.1: 519 of 1,611,352 alleles (0.032%); highest among the groups gnomAD compares: African/African-American, 0.59%; 2 homozygotes.

Submission:

PreventionGenetics, part of Exact Sciences
Classification: Likely benign for LRP1B-related condition. Last evaluated: 2019-05-07. Review status: no assertion criteria provided. Collection method: clinical testing. Allele origin: germline.
Comment: This variant is classified as likely benign based on ACMG/AMP sequence variant interpretation guidelines (Richards et al. 2015 PMID: 25741868, with internal and published modifications).